The following is an entry in ClinVar:

ClinVar aggregate classification (germline): Uncertain significance (1 of 4 stars; one submission).

Submission:

Labcorp Genetics (formerly Invitae), Labcorp
Classification: Uncertain significance. Last evaluated: 2022-02-05. Review status: criteria provided, single submitter. Criteria: Invitae Variant Classification Sherloc (09022015). Collection method: clinical testing. Allele origin: germline.
Comment: In summary, the available evidence is currently insufficient to determine the role of this variant in disease. Therefore, it has been classified as a Variant of Uncertain Significance. Algorithms developed to predict the effect of missense changes on protein structure and function are either unavailable or do not agree on the potential impact of this missense change (SIFT: "Deleterious"; PolyPhen-2: "Probably Damaging"; Align-GVGD: "Class C15"). This variant has not been reported in the literature in individuals affected with LRRC8A-related conditions. This variant is not present in population databases (gnomAD no frequency). This sequence change replaces leucine, which is neutral and non-polar, with phenylalanine, which is neutral and non-polar, at codon 613 of the LRRC8A protein (p.Leu613Phe).

NM_019594.4(LRRC8A):c.1837C>T (p.Leu613Phe)

Gene: LRRC8A (leucine rich repeat containing 8 VRAC subunit A; plus strand). Cytogenetic location: 9q34.11.
Variant type: single nucleotide variant.
Coding change: c.1837C>T on transcript NM_019594.4 (MANE Select); coding-DNA position 1837, C replaced by T.
Protein change: p.Leu613Phe; replaces leucine 613 with phenylalanine.
Molecular consequence: missense variant.
Genome position (GRCh38, 1-based): chr9:128,909,001, C>T. VCF-style: chr9-128909001-C-T. GRCh37 (hg19) VCF-style: chr9-131671280-C-T.
Other names: c.1837C>T, p.Leu613Phe (NM_001127244.2, NM_001127245.2); short protein forms L613F.
Identifiers: ClinVar variation 1512349 (VCV001512349.8), dbSNP rs757386567, ClinGen allele CA375084624.